The following is an entry in ClinVar:

ClinVar aggregate classification (germline): Uncertain significance (1 of 4 stars; one submission).

Conditions:
DIAPH3-related disorder. Also called: DIAPH3-related condition.

Submission:

PreventionGenetics, part of Exact Sciences
Classification: Uncertain significance for DIAPH3-related condition. Last evaluated: 2025-05-13. Review status: criteria provided, single submitter. Criteria: ACMG Guidelines, 2015. Collection method: clinical testing. Allele origin: germline.
Comment: The DIAPH3 c.3319+2T>C variant is predicted to disrupt the GT donor site and interfere with normal splicing. To our knowledge, this variant has not been reported in the literature or in a large population database (gnomAD), indicating this variant is rare. Loss-of-function has not been established as a disease mechanism for this gene, and therefore the clinical significance of this variant is currently uncertain due to the absence of conclusive functional and genetic evidence.

NM_001042517.2(DIAPH3):c.3319+2T>C

Gene: DIAPH3 (diaphanous related formin 3; minus strand). Cytogenetic location: 13q21.2.
Variant type: single nucleotide variant.
Coding change: c.3319+2T>C on transcript NM_001042517.2 (MANE Select); the canonical splice donor site of the intron after coding-DNA position 3319, T replaced by C.
Molecular consequence: splice donor variant. On other transcripts: synonymous variant (2).
Genome position (GRCh38, 1-based): chr13:59,774,187, A>G on the plus strand (T>C on the coding strand, the complement: DIAPH3 is on the minus strand). VCF-style: chr13-59774187-A-G. GRCh37 (hg19) VCF-style: chr13-60348321-A-G.
Other names: c.3321T>C, p.Gly1107= (NM_001258369.2); c.2532T>C, p.Gly844= (NM_030932.4); c.3109+2T>C (NM_001258368.2); c.3181+2T>C (NM_001258367.2); c.3286+2T>C (NM_001258366.2).
Identifiers: ClinVar variation 5000421 (VCV005000421.1).